The following is an entry in ClinVar:

NM_138694.4(PKHD1):c.712A>G (p.Met238Val)

Gene: PKHD1 (PKHD1 ciliary IPT domain containing fibrocystin/polyductin; minus strand). Cytogenetic location: 6p12.2.
Variant type: single nucleotide variant.
Coding change: c.712A>G on transcript NM_138694.4 (MANE Select); coding-DNA position 712, A replaced by G.
Protein change: p.Met238Val; replaces methionine 238 with valine.
Molecular consequence: missense variant.
Genome position (GRCh38, 1-based): chr6:52,069,523, T>C on the plus strand (A>G on the coding strand, the complement: PKHD1 is on the minus strand). VCF-style: chr6-52069523-T-C. GRCh37 (hg19) VCF-style: chr6-51934321-T-C.
Other names: c.712A>G, p.Met238Val (NM_170724.3); short protein forms M238V.
Identifiers: ClinVar variation 1805129 (VCV001805129.5), dbSNP rs760274684, ClinGen allele CA3853794.

ClinVar aggregate classification (germline): Uncertain significance. Review status: criteria provided, multiple submitters, no conflicts (2 of 4 stars). 4 submissions from 4 submitters: Uncertain significance (3). 1 of the submissions does not count toward it. Last evaluated 2025-11-24.

Conditions:
Autosomal recessive polycystic kidney disease (ARPKD). Also called: AR polycystic kidney disease. Identifiers: Orphanet 731, Orphanet 8378, MedGen C0085548, MeSH D017044, MONDO:0009889.
PKHD1-related disorder. Also called: PKHD1-related condition.
Inborn genetic diseases. Identifiers: MedGen C0950123, MeSH D030342.
Polycystic kidney disease 4 (PKD4). Also called: PKD3; Autosomal Recessive Polycystic Kidney Disease – PKHD1; POLYCYSTIC KIDNEY AND HEPATIC DISEASE 1; POLYCYSTIC KIDNEY DISEASE, INFANTILE, TYPE I; POLYCYSTIC KIDNEY DISEASE 4 WITH OR WITHOUT POLYCYSTIC LIVER DISEASE. Identifiers: MedGen C4540575, MONDO:0033004, OMIM 263200.

Allele frequency attached by ClinVar (database versions not stated): ExAC 0.00001; gnomAD 0.00003; gnomAD exomes 0.00003; TOPMed 0.00003.
gnomAD v4.1: 52 of 1,612,480 alleles (0.0032%); highest among the groups gnomAD compares: Middle Eastern, 0.033%; no homozygotes.

Submissions (4):

Ambry Genetics
Classification: Uncertain significance for Inborn genetic diseases. Last evaluated: 2025-11-24. Review status: criteria provided, single submitter. Criteria: Ambry Variant Classification Scheme 2023. Collection method: clinical testing. Allele origin: germline.

Labcorp Genetics (formerly Invitae), Labcorp
Classification: Uncertain significance for Autosomal recessive polycystic kidney disease. Last evaluated: 2022-05-20. Review status: criteria provided, single submitter. Criteria: Invitae Variant Classification Sherloc (09022015). Collection method: clinical testing. Allele origin: germline.
Comment: This sequence change replaces methionine, which is neutral and non-polar, with valine, which is neutral and non-polar, at codon 238 of the PKHD1 protein (p.Met238Val). This variant is present in population databases (rs760274684, gnomAD 0.02%). This variant has not been reported in the literature in individuals affected with PKHD1-related conditions. Advanced modeling of protein sequence and biophysical properties (such as structural, functional, and spatial information, amino acid conservation, physicochemical variation, residue mobility, and thermodynamic stability) performed at Invitae indicates that this missense variant is not expected to disrupt PKHD1 protein function. Algorithms developed to predict the effect of sequence changes on RNA splicing suggest that this variant may create or strengthen a splice site. In summary, the available evidence is currently insufficient to determine the role of this variant in disease. Therefore, it has been classified as a Variant of Uncertain Significance.

Victorian Clinical Genetics Services, Murdoch Childrens Research Institute
Classification: Uncertain significance for Polycystic kidney disease 4. Last evaluated: 2022-02-02. Review status: criteria provided, single submitter. Criteria: ACMG Guidelines, 2015. Collection method: clinical testing. Allele origin: germline. Inheritance: Autosomal recessive inheritance.
Comment: Based on the classification scheme VCGS_Germline_v1.3.4, this variant is classified as VUS-3C. Following criteria are met: 0102 - Loss of function is a known mechanism of disease in this gene and is associated with polycystic kidney disease 4, with or without hepatic disease (MIM#263200). (I) 0106 - This gene is associated with autosomal recessive disease. (I) 0200 - Variant is predicted to result in a missense amino acid change from methionine to valine. (I) 0251 - This variant is heterozygous. (I) 0304 - Variant is present in gnomAD (v2) <0.01 for a recessive condition (6 heterozygotes, 0 homozygote). (SP) 0503 - Missense variant consistently predicted to be tolerated by multiple in silico tools or not conserved in placental mammals with a minor amino acid change. (SB) 0604 - Variant is not located in an established domain, motif, hotspot or informative constraint region. (I) 0705 - No comparable missense variants have previous evidence for pathogenicity. (I) 0807 - This variant has no previous evidence of pathogenicity. (I) 0905 - No published segregation evidence has been identified for this variant. (I) 1007 - No published functional evidence has been identified for this variant. (I) 1208 - Inheritance information for this variant is not currently available in this individual. (I) Legend: (SP) - Supporting pathogenic, (I) - Information, (SB) - Supporting benign

PreventionGenetics, part of Exact Sciences
Classification: Uncertain significance for PKHD1-related condition. Last evaluated: 2024-08-05. Review status: no assertion criteria provided. Collection method: clinical testing. Allele origin: germline. Not counted in ClinVar's aggregate classification.
Comment: The PKHD1 c.712A>G variant is predicted to result in the amino acid substitution p.Met238Val. To our knowledge, this variant has not been reported in the literature in individuals with PKHD1-related disease. This variant is reported in 0.015% of alleles in individuals of East Asian descent in gnomAD. At this time, the clinical significance of this variant is uncertain due to the absence of conclusive functional and genetic evidence.